The following is an entry in ClinVar:

ClinVar aggregate classification (germline): Uncertain significance (1 of 4 stars; one submission).

Submission:

Labcorp Genetics (formerly Invitae), Labcorp
Classification: Uncertain significance. Last evaluated: 2020-06-09. Review status: criteria provided, single submitter. Criteria: Invitae Variant Classification Sherloc (09022015). Collection method: clinical testing. Allele origin: germline.
Comment: In summary, the available evidence is currently insufficient to determine the role of this variant in disease. Therefore, it has been classified as a Variant of Uncertain Significance. Algorithms developed to predict the effect of missense changes on protein structure and function are either unavailable or do not agree on the potential impact of this missense change (SIFT: "Not Available"; PolyPhen-2: "Probably Damaging"; Align-GVGD: "Not Available"). This variant has not been reported in the literature in individuals with NTHL1-related conditions. This variant is not present in population databases (ExAC no frequency). This sequence change replaces leucine with glutamine at codon 154 of the NTHL1 protein (p.Leu154Gln). The leucine residue is highly conserved and there is a moderate physicochemical difference between leucine and glutamine.

NM_002528.7(NTHL1):c.437T>A (p.Leu146Gln)

Gene: NTHL1 (nth like DNA glycosylase 1; minus strand). Cytogenetic location: 16p13.3.
Variant type: single nucleotide variant.
Coding change: c.437T>A on transcript NM_002528.7 (MANE Select); coding-DNA position 437, T replaced by A.
Protein change: p.Leu146Gln; replaces leucine 146 with glutamine.
Molecular consequence: missense variant. On other transcripts: intron variant (1).
Genome position (GRCh38, 1-based): chr16:2,044,718, A>T on the plus strand (T>A on the coding strand, the complement: NTHL1 is on the minus strand). VCF-style: chr16-2044718-A-T. GRCh37 (hg19) VCF-style: chr16-2094719-A-T.
Other names: c.107T>A, p.Leu36Gln (NM_001318194.2); c.355-992T>A (NM_001318193.2); short protein forms L146Q, L36Q.
Identifiers: ClinVar variation 1036743 (VCV001036743.7), dbSNP rs2084318215, ClinGen allele CA394294337.